The following is an entry in ClinVar:

ClinVar aggregate classification (germline): Uncertain significance (1 of 4 stars; one submission).

Conditions:
Familial intrahepatic cholestasis. Identifiers: Orphanet 284385, MedGen CN296401, MONDO:0017290.

Submission:

Genomenon, Inc
Classification: Uncertain significance for Familial intrahepatic cholestasis. Last evaluated: 2026-04-14. Review status: criteria provided, single submitter. Criteria: Genomenon Sequence Variant Interpretation Standards - Updated. Collection method: curation. Allele origin: germline. Affected: yes.
Comment: ABCB11 p.Ile209Ser (c.626T>G) is a missense variant that changes the amino acid at residue 209 from Isoleucine to Serine. This variant has been observed in at least one individual with transient neonatal cholestasis (PMID:32808743). It is absent or not present at a significant frequency in gnomAD. In silico models predict that this variant is possibly or probably damaging. In conclusion, we classify ABCB11 p.Ile209Ser (c.626T>G) as a variant of uncertain significance.

Literature cited by the submitters: PubMed 32808743.

NM_003742.4(ABCB11):c.626T>G (p.Ile209Ser)

Gene: ABCB11 (ATP binding cassette subfamily B member 11; minus strand). Cytogenetic location: 2q31.1.
Variant type: single nucleotide variant.
Coding change: c.626T>G on transcript NM_003742.4 (MANE Select); coding-DNA position 626, T replaced by G.
Protein change: p.Ile209Ser; replaces isoleucine 209 with serine.
Molecular consequence: missense variant.
Genome position (GRCh38, 1-based): chr2:168,993,868, A>C on the plus strand (T>G on the coding strand, the complement: ABCB11 is on the minus strand). VCF-style: chr2-168993868-A-C. GRCh37 (hg19) VCF-style: chr2-169850378-A-C.
Other names: short protein forms I209S.
Identifiers: ClinVar variation 4846049 (VCV004846049.1).